The following is an entry in ClinVar:

NM_001042492.3(NF1):c.7067C>G (p.Pro2356Arg)

Gene: NF1 (neurofibromin 1; plus strand). Cytogenetic location: 17q11.2.
Variant type: single nucleotide variant.
Coding change: c.7067C>G on transcript NM_001042492.3 (MANE Select); coding-DNA position 7067, C replaced by G.
Protein change: p.Pro2356Arg; replaces proline 2356 with arginine.
Molecular consequence: missense variant.
Genome position (GRCh38, 1-based): chr17:31,343,013, C>G. VCF-style: chr17-31343013-C-G. GRCh37 (hg19) VCF-style: chr17-29670031-C-G.
Other names: c.7004C>G, p.Pro2335Arg (NM_000267.4); short protein forms P2335R, P2356R.
Identifiers: ClinVar variation 2629402 (VCV002629402.1), dbSNP rs1555535402, ClinGen allele CA399015511.

ClinVar aggregate classification (germline): Uncertain significance (1 of 4 stars; one submission).

Conditions:
NF1-related disorder. Also called: NF1-related condition. Identifiers: MedGen CN379171.

Submission:

PreventionGenetics, part of Exact Sciences
Classification: Uncertain significance for NF1-related condition. Last evaluated: 2023-10-02. Review status: criteria provided, single submitter. Criteria: ACMG Guidelines, 2015. Collection method: clinical testing. Allele origin: germline.
Comment: The NF1 c.7067C>G variant is predicted to result in the amino acid substitution p.Pro2356Arg. To our knowledge, this variant has not been reported in the literature or in a large population database, indicating this variant is rare. At this time, the clinical significance of this variant is uncertain due to the absence of conclusive functional and genetic evidence.